The following is an entry in ClinVar:

NM_001079668.3(NKX2-1):c.596C>A (p.Ser199Ter)

Genes: SFTA3 (surfactant associated 3; minus strand), NKX2-1 (NK2 homeobox 1; minus strand). Cytogenetic location: 14q13.3.
Variant type: single nucleotide variant.
Coding change: c.596C>A on transcript NM_001079668.3 (MANE Select); coding-DNA position 596, C replaced by A.
Protein change: p.Ser199Ter; replaces serine 199 with a stop codon.
Molecular consequence: nonsense.
Genome position (GRCh38, 1-based): chr14:36,517,888, G>T on the plus strand (C>A on the coding strand, the complement: NKX2-1 is on the minus strand). VCF-style: chr14-36517888-G-T. GRCh37 (hg19) VCF-style: chr14-36987093-G-T.
Other names: c.506C>A, p.Ser169Ter (NM_003317.4); short protein forms S169*, S199*.
Identifiers: ClinVar variation 816951 (VCV000816951.1), dbSNP rs796744527, ClinGen allele CA389459468.
Genomic context (GRCh38, chr14:36,517,888, plus strand): 5'-GGCGCCGACAGGTACTTCTGTTGCTTGAAGCGTCGCTCCAGCTCGTACACCTGCGCCTGC[G>T]AGAAGAGCACCCGGCGCTTCCTGCGCGGCGCGCTTGGCAGCGGGGCCATGTTCTTGCTCA-3'

ClinVar aggregate classification (germline): Pathogenic (1 of 4 stars; one submission).

Submission:

GeneDx
Classification: Pathogenic. Last evaluated: 2019-03-28. Review status: criteria provided, single submitter. Criteria: GeneDx Variant Classification (06012015). Collection method: clinical testing. Allele origin: germline. Affected: yes.
Comment: The S199X variant in the NKX2-1 gene has been reported previously (as C2519A due to alternative nomenclature) in the heterozygous state in an individual with congenital hypothyroidism, thyroid gland hypoplasia, and severe choreoathetosis (Krude et al., 2002). This variant is predicted to cause loss of normal protein function through protein truncation, as the last 203 amino acids are lost. Thorwarth et al. (2014) performed electromobility shift assay, which indicated that the S199X variant (described as S169X due to alternative nomenclature) results in loss of DNA binding capacity (Thorwarth et al., 2014). The S199X variant is not observed in large population cohorts (Lek et al., 2016). We interpret S199X as a pathogenic variant.